The following is an entry in ClinVar:

ClinVar aggregate classification (germline): Likely benign (1 of 4 stars; one submission).

Allele frequency attached by ClinVar (database versions not stated): gnomAD exomes below 0.00001.
gnomAD v4.1: 2 of 1,613,182 alleles (0.00012%); highest among the groups gnomAD compares: East Asian, 0.0045%; no homozygotes.

Submission:

GeneDx
Classification: Likely benign. Last evaluated: 2018-03-15. Review status: criteria provided, single submitter. Criteria: GeneDx Variant Classification (06012015). Collection method: clinical testing. Allele origin: germline. Affected: yes.
Comment: This variant is considered likely benign or benign based on one or more of the following criteria: it is a conservative change, it occurs at a poorly conserved position in the protein, it is predicted to be benign by multiple in silico algorithms, and/or has population frequency not consistent with disease.

NM_001267550.2(TTN):c.81299G>A (p.Gly27100Glu)

Genes: TTN (titin; minus strand), TTN-AS1 (TTN antisense RNA 1; plus strand). Cytogenetic location: 2q31.2.
Variant type: single nucleotide variant.
Coding change: c.81299G>A on transcript NM_001267550.2 (MANE Select); coding-DNA position 81299, G replaced by A.
Protein change: p.Gly27100Glu; replaces glycine 27100 with glutamic acid.
Molecular consequence: missense variant.
Genome position (GRCh38, 1-based): chr2:178,564,833, C>T on the plus strand (G>A on the coding strand, the complement: TTN is on the minus strand). VCF-style: chr2-178564833-C-T. GRCh37 (hg19) VCF-style: chr2-179429560-C-T.
Other names: c.76376G>A, p.Gly25459Glu (NM_001256850.1); c.54104G>A, p.Gly18035Glu (NM_003319.4); c.73595G>A, p.Gly24532Glu (NM_133378.4); c.54479G>A, p.Gly18160Glu (NM_133432.3); c.54680G>A, p.Gly18227Glu (NM_133437.4); short protein forms G18160E, G18035E, G18227E, G24532E, G25459E, G27100E.
Identifiers: ClinVar variation 681037 (VCV000681037.1), dbSNP rs1455429334, ClinGen allele CA349582020.